The following is an entry in ClinVar:

NM_145038.5(DRC1):c.655C>T (p.Arg219Cys)

Gene: DRC1 (dynein regulatory complex subunit 1; plus strand). Cytogenetic location: 2p23.3.
Variant type: single nucleotide variant.
Coding change: c.655C>T on transcript NM_145038.5 (MANE Select); coding-DNA position 655, C replaced by T.
Protein change: p.Arg219Cys; replaces arginine 219 with cysteine.
Molecular consequence: missense variant.
Genome position (GRCh38, 1-based): chr2:26,429,742, C>T. VCF-style: chr2-26429742-C-T. GRCh37 (hg19) VCF-style: chr2-26652610-C-T.
Other names: c.655C>T (NM_145038.4); short protein forms R219C.
Identifiers: ClinVar variation 454991 (VCV000454991.16), dbSNP rs577516330, ClinGen allele CA1561922.

ClinVar aggregate classification (germline): Conflicting classifications of pathogenicity. Review status: criteria provided, conflicting classifications (1 of 4 stars). 4 submissions from 4 submitters: Uncertain significance (1); Likely benign (2). 1 of the submissions does not count toward it. Last evaluated 2026-04-01.

Conditions:
DRC1-related disorder. Also called: DRC1-related condition.
Primary ciliary dyskinesia. Also called: Ciliary dyskinesia. Identifiers: Orphanet 244, MedGen C0008780, MONDO:0016575, HP:0012265.

Allele frequency attached by ClinVar (database versions not stated): 1000 Genomes Project 0.00120; gnomAD 0.00006 and 0.00021; TOPMed 0.00011; gnomAD exomes 0.00042 and 0.00086; ExAC 0.00092; 1000 Genomes Project 30x 0.00094.
gnomAD v4.1: 653 of 1,614,040 alleles (0.04%); highest among the groups gnomAD compares: South Asian, 0.57%; 9 homozygotes.

Submissions (4):

Department of Human Genetics, Hannover Medical School
Classification: Uncertain significance for Primary Ciliary Dyskinesia. Last evaluated: 2026-04-01. Review status: criteria provided, single submitter. Criteria: ACMG Guidelines, 2015. Collection method: research. Allele origin: germline. Affected: no.
Comment: Classification performed by HerediClassify using the following criteria:['PM2_supporting: Variant occures does not occur as homozygous in gnomAD.', 'PP3_splicing_supporting: Variant is predicted to have a splice effect by SpliceAI with evidence strength supporting.', 'BP4_protein_supporting: Variant is predicted to be benign by REVEL with evidence strength supporting.', "PP4_moderate: The PICADAR socre of 6.0 exceeds threshold of 6 achieving 'moderate' evidence strength."]

Labcorp Genetics (formerly Invitae), Labcorp
Classification: Likely benign for Primary ciliary dyskinesia. Last evaluated: 2025-12-08. Review status: criteria provided, single submitter. Criteria: Invitae Variant Classification Sherloc (09022015). Collection method: clinical testing. Allele origin: germline.

Blueprint Genetics
Classification: Likely benign. Last evaluated: 2024-11-20. Review status: criteria provided, single submitter. Criteria: ACMG Guidelines, 2015. Collection method: clinical testing. Allele origin: germline.

PreventionGenetics, part of Exact Sciences
Classification: Likely benign for DRC1-related condition. Last evaluated: 2019-06-20. Review status: no assertion criteria provided. Collection method: clinical testing. Allele origin: germline. Not counted in ClinVar's aggregate classification.
Comment: This variant is classified as likely benign based on ACMG/AMP sequence variant interpretation guidelines (Richards et al. 2015 PMID: 25741868, with internal and published modifications).